The following is an entry in ClinVar:

ClinVar aggregate classification (germline): Likely benign. Review status: criteria provided, multiple submitters, no conflicts (2 of 4 stars). 2 submissions from 2 submitters: Likely benign (2). Last evaluated 2025-03-09.

Conditions:
Inborn genetic diseases. Identifiers: MedGen C0950123, MeSH D030342.
PKD1-related disorder. Also called: PKD1-related condition.

Allele frequency attached by ClinVar (database versions not stated): TOPMed 0.00010; gnomAD 0.00015; ExAC 0.00056; 1000 Genomes Project 0.00060; 1000 Genomes Project 30x 0.00062.
gnomAD v4.1: 182 of 1,592,964 alleles (0.011%); highest among the groups gnomAD compares: South Asian, 0.15%; 2 homozygotes.

Submissions (2):

PreventionGenetics, part of Exact Sciences
Classification: Likely benign for PKD1-related condition. Last evaluated: 2025-03-09. Review status: criteria provided, single submitter. Criteria: ACMG Guidelines, 2015. Collection method: clinical testing. Allele origin: germline.
Comment: This variant is classified as likely benign based on ACMG/AMP sequence variant interpretation guidelines (Richards et al. 2015 PMID: 25741868, with internal and published modifications).

Ambry Genetics
Classification: Likely benign for Inborn genetic diseases. Last evaluated: 2022-06-09. Review status: criteria provided, single submitter. Criteria: Ambry Variant Classification Scheme 2023. Collection method: clinical testing. Allele origin: germline.

NM_001009944.3(PKD1):c.1889C>T (p.Pro630Leu)

Gene: PKD1 (polycystin 1, transient receptor potential channel interacting; minus strand). Cytogenetic location: 16p13.3.
Variant type: single nucleotide variant.
Coding change: c.1889C>T on transcript NM_001009944.3 (MANE Select); coding-DNA position 1889, C replaced by T.
Protein change: p.Pro630Leu; replaces proline 630 with leucine.
Molecular consequence: missense variant.
Genome position (GRCh38, 1-based): chr16:2,115,586, G>A on the plus strand (C>T on the coding strand, the complement: PKD1 is on the minus strand). VCF-style: chr16-2115586-G-A. GRCh37 (hg19) VCF-style: chr16-2165587-G-A.
Other names: c.1889C>T, p.Pro630Leu (NM_000296.4); short protein forms P630L.
Identifiers: ClinVar variation 2206762 (VCV002206762.3), dbSNP rs556265337, ClinGen allele CA7833355.
Genomic context (GRCh38, chr16:2,115,586, plus strand): 5'-GCTCCAGGGCACCAGCGTCCCCCTGGCATGCACGCGGGGGCCAGCTGGGTCCTGTTGTCC[G>A]GGGACCTGCTCTCAGGCTCGCTGCCGTTCTCCGGGGTCCCTGTGAGGAGGGGAGGGTGTT-3'
Protein context (NP_001009944.3, residues 620-640): ENGSEPESRS[Pro630Leu]DNRTQLAPAC